The following is an entry in ClinVar:

ClinVar aggregate classification (germline): Likely benign (0 of 4 stars; one submission).

Conditions:
Familial cancer of breast. Also called: BREAST CANCER, FAMILIAL; hereditary breast carcinoma; Hereditary breast cancer. Identifiers: Orphanet 227535, MedGen C0346153, MONDO:0016419, OMIM 114480. Disease mechanism: loss of function.

Allele frequency attached by ClinVar (database versions not stated): gnomAD exomes below 0.00001.
gnomAD v4.1: 1 of 1,320,894 alleles (0.000076%); highest among the groups gnomAD compares: Non-Finnish European, 0.00011%; no homozygotes.

Submission:

Leiden Open Variation Database
Classification: Likely benign for Familial cancer of breast. Last evaluated: 2019-05-13. Review status: no assertion criteria provided. Collection method: curation. Allele origin: germline. Affected: yes.
Comment: Curators: Marc Tischkowitz, Arleen D. Auerbach. Submitter to LOVD: Marc Tischkowitz.

Literature cited by the submitters: PubMed 17287723.

NM_024675.4(PALB2):c.1685-58C>A

Gene: PALB2 (partner and localizer of BRCA2; minus strand). Cytogenetic location: 16p12.2.
Variant type: single nucleotide variant.
Coding change: c.1685-58C>A on transcript NM_024675.4 (MANE Select); 58 bases into the intron before coding-DNA position 1685, C replaced by A.
Molecular consequence: intron variant.
Genome position (GRCh38, 1-based): chr16:23,630,527, G>T on the plus strand (C>A on the coding strand, the complement: PALB2 is on the minus strand). VCF-style: chr16-23630527-G-T. GRCh37 (hg19) VCF-style: chr16-23641848-G-T.
Identifiers: ClinVar variation 126620 (VCV000126620.3), dbSNP rs180177108, ClinGen allele CA269510.